The following is an entry in ClinVar:

NM_000552.5(VWF):c.970C>T (p.Arg324Ter)

Gene: VWF (von Willebrand factor; minus strand). Cytogenetic location: 12p13.31.
Variant type: single nucleotide variant.
Coding change: c.970C>T on transcript NM_000552.5 (MANE Select); coding-DNA position 970, C replaced by T.
Protein change: p.Arg324Ter; replaces arginine 324 with a stop codon.
Molecular consequence: nonsense.
Genome position (GRCh38, 1-based): chr12:6,073,646, G>A on the plus strand (C>T on the coding strand, the complement: VWF is on the minus strand). VCF-style: chr12-6073646-G-A. GRCh37 (hg19) VCF-style: chr12-6182812-G-A.
Other names: p.R324*; NM_000552.5(VWF):c.970C>T; p.Arg324Ter; short protein forms R324*.
Identifiers: ClinVar variation 100512 (VCV000100512.50), dbSNP rs61754000, ClinGen allele CA228862.

ClinVar aggregate classification (germline): Pathogenic. Review status: reviewed by expert panel (3 of 4 stars). 11 submissions from 10 submitters: Pathogenic (1). 10 of the submissions do not count toward it. Last evaluated 2024-06-28.

Conditions:
VWF-related disorder. Also called: VWF-related condition; VWF-related disorders.
von Willebrand disorder (VWD). Also called: Von Willebrand disease (hereditary or acquired); von Willebrand Diseases; von Willebrand's disease. Identifiers: MedGen C0042974, MeSH D014842, MONDO:0024574.
Hereditary von Willebrand disease. Identifiers: Orphanet 903, MedGen C5703318, MONDO:0019565. Inheritance: Autosomal recessive or Autosomal dominant.
von Willebrand disease type 1 (VWD1). Also called: VON WILLEBRAND DISEASE, TYPE I; VWD, TYPE 1. Identifiers: Orphanet 166078, Orphanet 903, MedGen C1264039, MONDO:0008668, OMIM 193400. Inheritance: autosomal recessive or autosomal dominant.
von Willebrand disease type 3 (VWD3). Also called: Type 3 Von Willebrand's disease; Type 3 VWD; Von Willebrand disease, severe form; V WD3; VON WILLEBRAND DISEASE, TYPE III. Identifiers: Orphanet 166096, MedGen C1264041, MONDO:0010191, OMIM 277480.

Allele frequency attached by ClinVar (database versions not stated): ExAC 0.00001; gnomAD 0.00001; gnomAD exomes 0.00001; TOPMed 0.00002.
gnomAD v4.1: 25 of 1,613,900 alleles (0.0015%); highest among the groups gnomAD compares: South Asian, 0.0033%; no homozygotes.

Submissions (11):

ClinGen von Willebrand Disease Variant Curation Expert Panel, ClinGen
Classification: Pathogenic for Hereditary von Willebrand disease. Last evaluated: 2024-06-28. Review status: reviewed by expert panel. Criteria: ClinGen VWD 2A B M Rules. Collection method: curation. Allele origin: germline. Inheritance: Autosomal recessive inheritance.
Comment: The NM_000552.5:c.970C>T variant in VWF is a nonsense variant predicted to cause substitution of arginine by a premature termination codon at position 324. This variant occurs in exon 8 of 52 within the only known transcript and is predicted to trigger nonsense-mediated decay. Loss of function is a known mechanism of disease in forms of VWD that are partially (Type 1) or completely (Type 3) deficient in the gene product (PVS1). At least 1 patient with this variant (in compound heterozygous state) displayed phenotypes consistent with VWD Type 2N as well as half-normal VWF antigen and activity levels consistent with complete loss of the protein product from this allele (PMID: 28971901), (PP4_Moderate). This variant has also been detected in the homozygous state in at least 2 individuals with VWD Type 3 (1 point, PMID: 28971901, PM3). The Grpmax filtering allele frequency in gnomAD v4.1 is 0.00001030 (based on 19/1180036 alleles in the European non-Finnish population), which is lower than the ClinGen VWD VCEP threshold of <0.005 for PM2_Supporting. In summary, this variant meets the criteria to be classified as Pathogenic for hereditary von Willebrand disease. ACMG/AMP criteria applied as specified by the ClinGen von Willebrand disease Variant Curation Expert Panel: PVS1, PM2_Supporting, PM3, PP4_Moderate.

Dasa
Classification: Pathogenic. Last evaluated: 2025-05-26. Review status: criteria provided, single submitter. Criteria: DASA Assertion Criteria. Collection method: clinical testing. Allele origin: germline. Not counted in ClinVar's aggregate classification.
Comment: NM_000552.5(VWF):c.970C>T (p.Arg324*) introduces a premature termination codon predicted to result in loss of normal protein function. Loss-of-function is an established mechanism of disease for this gene. This variant has been observed in affected individuals with related phenotype in a genotype context consistent with recessive disease (PMID: 28971901). This variant has been reported in individuals with related phenotype (PMID: 28971901). Segregation evidence has been reported in affected families. The variant is present at low frequency in population datasets. Based on the available data, this variant is classified as pathogenic.

Women's Health and Genetics/Laboratory Corporation of America, LabCorp
Classification: Pathogenic for von Willebrand disorder. Last evaluated: 2024-11-27. Review status: criteria provided, single submitter. Criteria: LabCorp Variant Classification Summary - May 2015. Collection method: clinical testing. Allele origin: germline. Not counted in ClinVar's aggregate classification.
Comment: Variant summary: VWF c.970C>T (p.Arg324X) results in a premature termination codon, predicted to cause a truncation of the encoded protein or absence of the protein due to nonsense mediated decay, which are commonly known mechanisms for disease. The variant allele was found at a frequency of 1.2e-05 in 251370 control chromosomes. c.970C>T has been reported in the literature in multiple individuals affected with Von Willebrand Disease (examples: Schneppenheim_1994, Ornaghi_2021). These data indicate that the variant is very likely to be associated with disease. The following publications have been ascertained in the context of this evaluation (PMID: 7989040, 33550700). ClinVar contains an entry for this variant (Variation ID: 100512). Based on the evidence outlined above, the variant was classified as pathogenic.

ARUP Laboratories, Molecular Genetics and Genomics, ARUP Laboratories
Classification: Pathogenic. Last evaluated: 2024-03-05. Review status: criteria provided, single submitter. Criteria: ARUP Molecular Germline Variant Investigation Process 2024. Collection method: clinical testing. Allele origin: germline. Not counted in ClinVar's aggregate classification.
Comment: The VWF c.970C>T; p.Arg324Ter variant (rs61754000) is reported in the literature in several homozygous and compound heterozygous individuals affected with von Willebrand disease type 3 (Ahmed 2019, Borras 2017, Boylan 2015, Gupta 2008, Ornaghi 2021, Schneppenheim 1994, Yadegari 2012). This variant has also been found in asymptomatic heterozygotes (Schneppenheim 1994) and in individuals also carrying a type 2N variant (Borras 2017, Yadegari 2012). The p.Arg324Ter variant is reported as pathogenic in ClinVar (Variation ID: 100512). This variant is only observed on three alleles in the Genome Aggregation Database (v2.1.1), indicating it is not a common polymorphism. This variant induces an early termination codon and is predicted to result in a truncated protein or mRNA subject to nonsense-mediated decay. Based on available information, this variant is considered to be pathogenic. References: Ahmed S et al. Characterization of the mutation spectrum in a Pakistani cohort of type 3 von Willebrand disease. Haemophilia. 2019 Nov;25(6):1035-1044. PMID: 31532876. Borras N et al. Molecular and clinical profile of von Willebrand disease in Spain (PCM-EVW-ES): comprehensive genetic analysis by next-generation sequencing of 480 patients. Haematologica. 2017 Dec;102(12):2005-2014. PMID: 28971901. Boylan B et al. Evaluation of von Willebrand factor phenotypes and genotypes in Hemophilia A patients with and without identified F8 mutations. J Thromb Haemost. 2015 Jun;13(6):1036-42. PMID: 25780857. Gupta PK et al. Genetic defects in von Willebrand disease type 3 in Indian and Greek patients. Blood Cells Mol Dis. 2008 Sep-Oct;41(2):219-22. PMID: 18485763. Ornaghi AP et al. Variants p.Pro2063Ser and p.Arg324* co-segregate in type 3 von Willebrand disease patients from Southern Brazil. Haemophilia. 2021 Mar;27(2):e204-e213. PMID: 33550700. Schneppenheim R et al. Genetic heterogeneity of severe von Willebrand disease type III in the German population. Hum Genet. 1994 Dec;94(6):640-52. PMID: 7989040. Yadegari H et al. Mutation distribution in the von Willebrand factor gene related to the different von Willebrand disease (VWD) types in a cohort of VWD patients. Thromb Haemost. 2012 Oct;108(4):662-71. PMID: 22871923.

Blueprint Genetics
Classification: Likely pathogenic for VWF-related disorders. Last evaluated: 2021-01-05. Review status: criteria provided, single submitter. Criteria: ACMG Guidelines, 2015. Collection method: clinical testing. Allele origin: germline. Affected: yes. Observed: 5 variant alleles. Not counted in ClinVar's aggregate classification.

Laboratory of Hematology, Radboud University Medical Center
Classification: Pathogenic for von Willebrand disease type 3. Last evaluated: 2020-12-10. Review status: criteria provided, single submitter. Criteria: ACMG Guidelines, 2015. Collection method: research. Allele origin: germline. Affected: yes. Observed: 1 variant allele. Study: WIN study. Not counted in ClinVar's aggregate classification.

CeGaT Center for Human Genetics Tuebingen
Classification: Pathogenic. Last evaluated: 2016-11-01. Review status: criteria provided, single submitter. Criteria: CeGaT Center For Human Genetics Tuebingen Variant Classification Criteria Version 2. Collection method: clinical testing. Allele origin: germline. Affected: yes. Observed: 1 variant allele. Not counted in ClinVar's aggregate classification.

ISTH-SSC Genomics in Thrombosis and Hemostasis, KU Leuven, Center for Molecular and Vascular Biology
Classification: Likely pathogenic for von Willebrand disease type 1. Review status: criteria provided, single submitter. Criteria: ACMG Guidelines, 2015. Collection method: clinical testing. Allele origin: germline. Affected: yes. Observed: 1 heterozygote. Not counted in ClinVar's aggregate classification.
Comment: Submitted to GoldVariant by Kathleen Freson, Center for Molecular and Vascular Biology, Leuven, Belgium

Angelo Bianchi Bonomi Hemophilia and Thrombosis Center, Fondazione IRCCS Ca Granda Ospedale Maggiore Policlinico
Classification: Pathogenic for von Willebrand disease type 3. Last evaluated: 2021-04-12. Review status: no assertion criteria provided. Collection method: clinical testing. Allele origin: germline. Affected: yes. Study: Type 3 Von Willebrand International Registries Inhibitor Prospective Study (3WINTERS-IPS). Not counted in ClinVar's aggregate classification.

Academic Unit of Haematology, University of Sheffield
No classification provided. Review status: no classification provided. Collection method: not provided. Allele origin: not provided. Not counted in ClinVar's aggregate classification.

ISTH-SSC Genomics in Thrombosis and Hemostasis, KU Leuven, Center for Molecular and Vascular Biology
Classification: Pathogenic for von Willebrand disorder. Review status: no assertion criteria provided. Collection method: research. Allele origin: unknown. Affected: yes. Not counted in ClinVar's aggregate classification.
Comment: Submitted to GoldVariant by Dr Karyn Mégy from NIHR Bioresource - Cambridge University, UK

Literature cited by the submitters: PubMed 28971901 (cited by Dasa); PubMed 33550700 (cited by Women's Health and Genetics/Laboratory Corporation of America, LabCorp); PubMed 7989040 (cited by Women's Health and Genetics/Laboratory Corporation of America, LabCorp).